The following is an entry in ClinVar:

ClinVar aggregate classification (germline): Uncertain significance (1 of 4 stars; one submission).

Conditions:
Combined oxidative phosphorylation defect type 17. Also called: Combined oxidative phosphorylation deficiency 17. Identifiers: Orphanet 369913, MedGen C3809526, MONDO:0014190, OMIM 615440.

Submission:

Labcorp Genetics (formerly Invitae), Labcorp
Classification: Uncertain significance for Combined oxidative phosphorylation defect type 17. Last evaluated: 2021-11-04. Review status: criteria provided, single submitter. Criteria: Invitae Variant Classification Sherloc (09022015). Collection method: clinical testing. Allele origin: germline.
Comment: This variant is not present in population databases (gnomAD no frequency). This sequence change replaces aspartic acid, which is acidic and polar, with glutamic acid, which is acidic and polar, at codon 351 of the ELAC2 protein (p.Asp351Glu). This variant has not been reported in the literature in individuals affected with ELAC2-related conditions. Algorithms developed to predict the effect of missense changes on protein structure and function are either unavailable or do not agree on the potential impact of this missense change (SIFT: "Tolerated"; PolyPhen-2: "Possibly Damaging"; Align-GVGD: "Class C0"). In summary, the available evidence is currently insufficient to determine the role of this variant in disease. Therefore, it has been classified as a Variant of Uncertain Significance.

NM_018127.7(ELAC2):c.1053C>G (p.Asp351Glu)

Gene: ELAC2 (elaC ribonuclease Z 2; minus strand). Cytogenetic location: 17p12.
Variant type: single nucleotide variant.
Coding change: c.1053C>G on transcript NM_018127.7 (MANE Select); coding-DNA position 1053, C replaced by G.
Protein change: p.Asp351Glu; replaces aspartic acid 351 with glutamic acid.
Molecular consequence: missense variant.
Genome position (GRCh38, 1-based): chr17:13,003,505, G>C on the plus strand (C>G on the coding strand, the complement: ELAC2 is on the minus strand). VCF-style: chr17-13003505-G-C. GRCh37 (hg19) VCF-style: chr17-12906822-G-C.
Other names: c.933C>G, p.Asp311Glu (NM_001165962.2); c.1053C>G, p.Asp351Glu (NM_173717.2); short protein forms D351E, D311E.
Identifiers: ClinVar variation 1477339 (VCV001477339.6), dbSNP rs991150757, ClinGen allele CA398225768.